The following is an entry in ClinVar:

NM_003573.2(LTBP4):c.269C>G (p.Pro90Arg)

Gene: LTBP4 (latent transforming growth factor beta binding protein 4; plus strand). Cytogenetic location: 19q13.2.
Variant type: single nucleotide variant.
Coding change: c.269C>G on transcript NM_003573.2; coding-DNA position 269, C replaced by G.
Protein change: p.Pro90Arg; replaces proline 90 with arginine.
Molecular consequence: missense variant.
Genome position (GRCh38, 1-based): chr19:40,600,106, C>G. VCF-style: chr19-40600106-C-G. GRCh37 (hg19) VCF-style: chr19-41106012-C-G.
Other names: c.380C>G, p.Pro127Arg (NM_001042544.1); short protein forms P127R, P90R.
Identifiers: ClinVar variation 2025873 (VCV002025873.4), dbSNP rs2515334224, ClinGen allele CA405930188.

ClinVar aggregate classification (germline): Uncertain significance (1 of 4 stars; one submission).

Submission:

Labcorp Genetics (formerly Invitae), Labcorp
Classification: Uncertain significance. Last evaluated: 2022-08-21. Review status: criteria provided, single submitter. Criteria: Invitae Variant Classification Sherloc (09022015). Collection method: clinical testing. Allele origin: germline.
Comment: Experimental studies and prediction algorithms are not available or were not evaluated, and the functional significance of this variant is currently unknown. This variant has not been reported in the literature in individuals affected with LTBP4-related conditions. This variant is not present in population databases (gnomAD no frequency). This sequence change replaces proline, which is neutral and non-polar, with arginine, which is basic and polar, at codon 90 of the LTBP4 protein (p.Pro90Arg). In summary, the available evidence is currently insufficient to determine the role of this variant in disease. Therefore, it has been classified as a Variant of Uncertain Significance.